The following is an entry in ClinVar:

NM_031935.3(HMCN1):c.4941G>A (p.Thr1647=)

Gene: HMCN1 (hemicentin 1; plus strand). Cytogenetic location: 1q31.1.
Variant type: single nucleotide variant.
Coding change: c.4941G>A on transcript NM_031935.3 (MANE Select); coding-DNA position 4941, G replaced by A.
Protein change: p.Thr1647=; no amino-acid change (threonine 1647 retained).
Molecular consequence: synonymous variant.
Genome position (GRCh38, 1-based): chr1:186,015,989, G>A. VCF-style: chr1-186015989-G-A. GRCh37 (hg19) VCF-style: chr1-185985121-G-A.
Other names: c.4941G>A (NM_031935.2).
Identifiers: ClinVar variation 2963694 (VCV002963694.4), dbSNP rs199561167, ClinGen allele CA1292147.

ClinVar aggregate classification (germline): Likely benign. Review status: criteria provided, single submitter (1 of 4 stars). 2 submissions from 2 submitters: Likely benign (1). 1 of the submissions does not count toward it. Last evaluated 2025-03-25.

Conditions:
HMCN1-related disorder. Also called: HMCN1-related condition.

Allele frequency attached by ClinVar (database versions not stated): gnomAD 0.00003; ExAC 0.00002; TOPMed 0.00003.
gnomAD v4.1: 28 of 1,613,230 alleles (0.0017%); highest among the groups gnomAD compares: Middle Eastern, 0.016%; no homozygotes.

Submissions (2):

Labcorp Genetics (formerly Invitae), Labcorp
Classification: Likely benign. Last evaluated: 2025-03-25. Review status: criteria provided, single submitter. Criteria: Invitae Variant Classification Sherloc (09022015). Collection method: clinical testing. Allele origin: germline.

PreventionGenetics, part of Exact Sciences
Classification: Likely benign for HMCN1-related condition. Last evaluated: 2020-01-27. Review status: no assertion criteria provided. Collection method: clinical testing. Allele origin: germline. Not counted in ClinVar's aggregate classification.
Comment: This variant is classified as likely benign based on ACMG/AMP sequence variant interpretation guidelines (Richards et al. 2015 PMID: 25741868, with internal and published modifications).